The following is an entry in ClinVar:

ClinVar aggregate classification (germline): Uncertain significance (1 of 4 stars; one submission).

Submission:

ISCA site 4
Classification: Uncertain significance. Last evaluated: 2011-08-12. Review status: criteria provided, single submitter. Criteria: Kaminsky et al. (Genet Med. 2011). Collection method: clinical testing. Allele origin: paternal. Affected: yes. Observed: 1 variant allele.
Comment: Copy number variation identified through the course of routine clinical cytogenomic testing in postnatal populations. Clinical assertions have been curated as described in Kaminsky et al. 2011.

GRCh38/hg38 Xq26.2(chrX:131591045-132007449)x3

Genes: FIRRE (firre intergenic repeating RNA element; minus strand), LOC113875010 (Sharpr-MPRA regulatory region 5272; plus strand), LOC113875011 (Sharpr-MPRA regulatory region 4069; plus strand), LOC121627980 (Sharpr-MPRA regulatory region 13451; plus strand), LOC121627981 (Sharpr-MPRA regulatory region 13107; plus strand) and 24 more. Cytogenetic location: Xq26.2.
Variant type: copy number gain.
Change: copy number 3 of chrX:131,591,045-132,007,449 (416.4 kb, GRCh38 coordinates, 1-based), cytogenetic band Xq26.2.
Identifiers: ClinVar variation 57151 (VCV000057151.2).